The following is an entry in ClinVar:

NM_015295.3(SMCHD1):c.5356G>A (p.Asp1786Asn)

Gene: SMCHD1 (structural maintenance of chromosomes flexible hinge domain containing 1; plus strand). Cytogenetic location: 18p11.32.
Variant type: single nucleotide variant.
Coding change: c.5356G>A on transcript NM_015295.3 (MANE Select); coding-DNA position 5356, G replaced by A.
Protein change: p.Asp1786Asn; replaces aspartic acid 1786 with asparagine.
Molecular consequence: missense variant.
Genome position (GRCh38, 1-based): chr18:2,775,914, G>A. VCF-style: chr18-2775914-G-A. GRCh37 (hg19) VCF-style: chr18-2775912-G-A.
Other names: short protein forms D1786N.
Identifiers: ClinVar variation 653033 (VCV000653033.10), dbSNP rs373881061, ClinGen allele CA295487887.

ClinVar aggregate classification (germline): Uncertain significance. Review status: criteria provided, multiple submitters, no conflicts (2 of 4 stars). 3 submissions from 3 submitters: Uncertain significance (3). Last evaluated 2024-10-03.

Conditions:
Inborn genetic diseases. Identifiers: MedGen C0950123, MeSH D030342.
Facioscapulohumeral muscular dystrophy 2 (FSHD2). Also called: FACIOSCAPULOHUMERAL MUSCULAR DYSTROPHY 2, DIGENIC; FSHD2, DIGENIC; MUSCULAR DYSTROPHY, FACIOSCAPULOHUMERAL, TYPE 1B. Identifiers: Orphanet 269, MedGen C1834671, MONDO:0008031, OMIM 158901.

Allele frequency attached by ClinVar (database versions not stated): gnomAD exomes below 0.00001; ESP Exome Variant Server 0.00008.
gnomAD v4.1: 3 of 1,579,466 alleles (0.00019%); highest among the groups gnomAD compares: Non-Finnish European, 0.00026%; no homozygotes.

Submissions (3):

Ambry Genetics
Classification: Uncertain significance for Inborn genetic diseases. Last evaluated: 2024-10-03. Review status: criteria provided, single submitter. Criteria: Ambry Variant Classification Scheme 2023. Collection method: clinical testing. Allele origin: germline.

Labcorp Genetics (formerly Invitae), Labcorp
Classification: Uncertain significance for Facioscapulohumeral muscular dystrophy 2. Last evaluated: 2021-01-15. Review status: criteria provided, single submitter. Criteria: Invitae Variant Classification Sherloc (09022015). Collection method: clinical testing. Allele origin: germline.
Comment: This variant has not been reported in the literature in individuals with SMCHD1-related disease. This sequence change replaces aspartic acid with asparagine at codon 1786 of the SMCHD1 protein (p.Asp1786Asn). The aspartic acid residue is highly conserved and there is a small physicochemical difference between aspartic acid and asparagine. This variant is not present in population databases (ExAC no frequency). Algorithms developed to predict the effect of missense changes on protein structure and function are either unavailable or do not agree on the potential impact of this missense change (SIFT: "Tolerated"; PolyPhen-2: "Probably Damaging"; Align-GVGD: "Class C0"). In summary, the available evidence is currently insufficient to determine the role of this variant in disease. Therefore, it has been classified as a Variant of Uncertain Significance.

Breakthrough Genomics
Classification: Uncertain significance. Review status: criteria provided, single submitter. Criteria: ACMG Guidelines, 2015. Collection method: not provided. Allele origin: germline. Inheritance: Autosomal dominant inheritance. Affected: yes.